The following is an entry in ClinVar:

ClinVar aggregate classification (germline): Uncertain significance (1 of 4 stars; one submission).

Conditions:
COG4-congenital disorder of glycosylation. Also called: COG4-CDG; CONGENITAL DISORDER OF GLYCOSYLATION, TYPE IIj; CDG IIj. Identifiers: Orphanet 263501, MedGen C4303552, MONDO:0013281, OMIM 613489.

Allele frequency attached by ClinVar (database versions not stated): gnomAD 0.00001; TOPMed 0.00001; ExAC 0.00004.
gnomAD v4.1: 15 of 1,613,406 alleles (0.00093%); highest among the groups gnomAD compares: Middle Eastern, 0.016%; no homozygotes.

Submission:

Labcorp Genetics (formerly Invitae), Labcorp
Classification: Uncertain significance for COG4-congenital disorder of glycosylation. Last evaluated: 2022-09-14. Review status: criteria provided, single submitter. Criteria: Invitae Variant Classification Sherloc (09022015). Collection method: clinical testing. Allele origin: germline.
Comment: Advanced modeling of protein sequence and biophysical properties (such as structural, functional, and spatial information, amino acid conservation, physicochemical variation, residue mobility, and thermodynamic stability) has been performed at Invitae for this missense variant, however the output from this modeling did not meet the statistical confidence thresholds required to predict the impact of this variant on COG4 protein function. In summary, the available evidence is currently insufficient to determine the role of this variant in disease. Therefore, it has been classified as a Variant of Uncertain Significance. This variant has not been reported in the literature in individuals affected with COG4-related conditions. This variant is present in population databases (rs376925549, gnomAD 0.02%). This sequence change replaces threonine, which is neutral and polar, with methionine, which is neutral and non-polar, at codon 761 of the COG4 protein (p.Thr761Met).

NM_015386.3(COG4):c.2282C>T (p.Thr761Met)

Gene: COG4 (component of oligomeric golgi complex 4; minus strand). Cytogenetic location: 16q22.1.
Variant type: single nucleotide variant.
Coding change: c.2282C>T on transcript NM_015386.3 (MANE Select); coding-DNA position 2282, C replaced by T.
Protein change: p.Thr761Met; replaces threonine 761 with methionine.
Molecular consequence: missense variant. On other transcripts: non-coding transcript variant (1).
Genome position (GRCh38, 1-based): chr16:70,481,098, G>A on the plus strand (C>T on the coding strand, the complement: COG4 is on the minus strand). VCF-style: chr16-70481098-G-A. GRCh37 (hg19) VCF-style: chr16-70515001-G-A.
Other names: c.2207C>T, p.Thr736Met (NM_001195139.2); c.1856C>T, p.Thr619Met (NM_001365426.1); short protein forms T619M, T736M, T761M.
Identifiers: ClinVar variation 1984134 (VCV001984134.4), dbSNP rs376925549, ClinGen allele CA8143974.